The following is an entry in ClinVar:

NM_001042492.3(NF1):c.8251A>T (p.Ser2751Cys)

Gene: NF1 (neurofibromin 1; plus strand). Cytogenetic location: 17q11.2.
Variant type: single nucleotide variant.
Coding change: c.8251A>T on transcript NM_001042492.3 (MANE Select); coding-DNA position 8251, A replaced by T.
Protein change: p.Ser2751Cys; replaces serine 2751 with cysteine.
Molecular consequence: missense variant.
Genome position (GRCh38, 1-based): chr17:31,360,577, A>T. VCF-style: chr17-31360577-A-T. GRCh37 (hg19) VCF-style: chr17-29687595-A-T.
Other names: c.8188A>T, p.Ser2730Cys (NM_000267.4); short protein forms S2730C, S2751C.
Identifiers: ClinVar variation 3237975 (VCV003237975.1), dbSNP rs2151587923.
Genomic context (GRCh38, chr17:31,360,577, plus strand): 5'-ATTGTTAAGTTTCTTGATGCCTTGATTGACACGTACCTGCCTGGAATTGATGAAGAAACC[A>T]GTGAAGAATCCCTCCTGACTCCCACATCTCCTTACCCTCCTGCACTGCAGAGCCAGCTTA-3'
Protein context (NP_001035957.1, residues 2741-2761): TYLPGIDEET[Ser2751Cys]EESLLTPTSP

ClinVar aggregate classification (germline): Uncertain significance (1 of 4 stars; one submission).

Conditions:
Hereditary cancer-predisposing syndrome. Also called: Neoplastic Syndromes, Hereditary; Tumor predisposition; Hereditary neoplastic syndrome; Hereditary Cancer Syndrome. Identifiers: Orphanet 140162, MedGen C0027672, MeSH D009386, MONDO:0015356.
Cardiovascular phenotype. Identifiers: MedGen CN230736.

Submission:

Ambry Genetics
Classification: Uncertain significance for Cardiovascular phenotype; Hereditary cancer-predisposing syndrome. Last evaluated: 2023-09-14. Review status: criteria provided, single submitter. Criteria: Ambry Variant Classification Scheme 2023. Collection method: clinical testing. Allele origin: germline.
Comment: The p.S2730C variant (also known as c.8188A>T), located in coding exon 56 of the NF1 gene, results from an A to T substitution at nucleotide position 8188. The serine at codon 2730 is replaced by cysteine, an amino acid with dissimilar properties. This amino acid position is conserved. In addition, this alteration is predicted to be tolerated by in silico analysis. Since supporting evidence is limited at this time, the clinical significance of this alteration remains unclear.